The following is an entry in ClinVar:

ClinVar aggregate classification (germline): Likely benign (0 of 4 stars; one submission).

Conditions:
ARFGEF3-related disorder. Also called: ARFGEF3-related condition.

Allele frequency attached by ClinVar (database versions not stated): TOPMed 0.00003; gnomAD 0.00005; ExAC 0.00006.
gnomAD v4.1: 73 of 1,610,776 alleles (0.0045%); highest among the groups gnomAD compares: Middle Eastern, 0.034%; no homozygotes.

Submission:

PreventionGenetics, part of Exact Sciences
Classification: Likely benign for ARFGEF3-related condition. Last evaluated: 2019-10-29. Review status: no assertion criteria provided. Collection method: clinical testing. Allele origin: germline.
Comment: This variant is classified as likely benign based on ACMG/AMP sequence variant interpretation guidelines (Richards et al. 2015 PMID: 25741868, with internal and published modifications).

NM_020340.5(ARFGEF3):c.3039C>T (p.His1013=)

Gene: ARFGEF3 (ARFGEF family member 3; plus strand). Cytogenetic location: 6q23.3.
Variant type: single nucleotide variant.
Coding change: c.3039C>T on transcript NM_020340.5 (MANE Select); coding-DNA position 3039, C replaced by T.
Protein change: p.His1013=; no amino-acid change (histidine 1013 retained).
Molecular consequence: synonymous variant.
Genome position (GRCh38, 1-based): chr6:138,289,960, C>T. VCF-style: chr6-138289960-C-T. GRCh37 (hg19) VCF-style: chr6-138611097-C-T.
Identifiers: ClinVar variation 3040522 (VCV003040522.2), dbSNP rs777578890, ClinGen allele CA4020982.
Genomic context (GRCh38, chr6:138,289,960, plus strand): 5'-GGAGGCCATCCTCAGCGTAGGCCTGGAGATGGGAAGCCACAACCCGGACTGCTGGCCACA[C>T]GTGTTCAGGTGCATGACGGGCTCCCACCCCCAGATGGCACTAACCCTGCCTTGGGAAACC-3'
Protein context (NP_065073.3, residues 1003-1023): MGSHNPDCWP[His1013=]VFRVCEYVGT